The following is an entry in ClinVar:

NM_003014.4(SFRP4):c.433del (p.Asp145fs)

Gene: SFRP4 (secreted frizzled related protein 4; minus strand). Cytogenetic location: 7p14.1.
Variant type: Deletion.
Coding change: c.433del on transcript NM_003014.4 (MANE Select); coding-DNA position 433, one base deleted (G; older notation c.433delG).
Protein change: p.Asp145fs; shifts the reading frame from aspartic acid 145.
Molecular consequence: frameshift variant.
Genome position (GRCh38, 1-based): chr7:37,916,105, C deleted on the plus strand (G on the coding strand, the reverse complement: SFRP4 is on the minus strand); the first of 2 consecutive C bases (chr7:37,916,105-37,916,106); deleting either gives the same sequence. VCF-style (leftmost placement, unchanged base first): chr7-37916104-TC-T. GRCh37 (hg19) VCF-style: chr7-37955706-TC-T.
Other names: short protein forms D145fs.
Identifiers: ClinVar variation 3893232 (VCV003893232.1).

ClinVar aggregate classification (germline): Pathogenic (1 of 4 stars; one submission).

Conditions:
Pyle metaphyseal dysplasia (PYL). Also called: Metaphyseal dysostosis; Pyle disease. Identifiers: Orphanet 3005, MedGen C0265294, MONDO:0009943, OMIM 265900.

Submission:

Illumina Laboratory Services, Illumina
Classification: Pathogenic for Pyle metaphyseal dysplasia. Last evaluated: 2023-09-21. Review status: criteria provided, single submitter. Criteria: ICSLVariantClassificationCriteria RUGD 01 April 2020. Collection method: clinical testing. Allele origin: unknown.
Comment: The SFRP4 c.433del p.(Asp145ThrfsTer9) variant causes a shift in the protein reading frame that is predicted to result in premature termination of the protein. Loss of normal protein function through either protein truncation or nonsense-mediated mRNA decay is expected. To our knowledge, this variant has not been reported in the peer-reviewed literature. This variant is not observed in version 2.1.1 or version 3.1.2 of the Genome Aggregation Database. Based on the available evidence, the c.433del p.(Asp145ThrfsTer9) variant is classified as pathogenic for Pyle disease.